The following is an entry in ClinVar:

ClinVar aggregate classification (germline): Uncertain significance (0 of 4 stars; one submission).

Conditions:
AFF4-related disorder. Also called: AFF4-related condition.

gnomAD v4.1: 8 of 1,595,414 alleles (0.0005%); highest among the groups gnomAD compares: Admixed American, 0.012%; no homozygotes.

Submission:

PreventionGenetics, part of Exact Sciences
Classification: Uncertain significance for AFF4-related condition. Last evaluated: 2024-07-09. Review status: no assertion criteria provided. Collection method: clinical testing. Allele origin: germline.
Comment: The AFF4 c.3122C>T variant is predicted to result in the amino acid substitution p.Ala1041Val. To our knowledge, this variant has not been reported in the literature. This variant is reported in 0.022% of alleles in individuals of Latino descent in gnomAD. Although we suspect that this variant may be benign, at this time, the clinical significance of this variant is uncertain due to the absence of conclusive functional and genetic evidence.

NM_014423.4(AFF4):c.3122C>T (p.Ala1041Val)

Gene: AFF4 (ALF transcription elongation factor 4; minus strand). Cytogenetic location: 5q31.1.
Variant type: single nucleotide variant.
Coding change: c.3122C>T on transcript NM_014423.4 (MANE Select); coding-DNA position 3122, C replaced by T.
Protein change: p.Ala1041Val; replaces alanine 1041 with valine.
Molecular consequence: missense variant.
Genome position (GRCh38, 1-based): chr5:132,885,097, G>A on the plus strand (C>T on the coding strand, the complement: AFF4 is on the minus strand). VCF-style: chr5-132885097-G-A. GRCh37 (hg19) VCF-style: chr5-132220789-G-A.
Other names: short protein forms A1041V.
Identifiers: ClinVar variation 3350122 (VCV003350122.1).